The following is an entry in ClinVar:

ClinVar aggregate classification (germline): Uncertain significance (1 of 4 stars; one submission).

Conditions:
Melanoma, cutaneous malignant, susceptibility to, 5. Also called: Cutaneous malignant melanoma 5. Identifiers: Orphanet 618, MedGen C2751295, MONDO:0013133, OMIM 613099.

Allele frequency attached by ClinVar (database versions not stated): gnomAD exomes below 0.00001 and 0.00002; gnomAD 0.00001; TOPMed 0.00002.

Submission:

Labcorp Genetics (formerly Invitae), Labcorp
Classification: Uncertain significance for Melanoma, cutaneous malignant, susceptibility to, 5. Last evaluated: 2025-10-23. Review status: criteria provided, single submitter. Criteria: Invitae Variant Classification Sherloc (09022015). Collection method: clinical testing. Allele origin: germline.
Comment: This sequence change replaces alanine, which is neutral and non-polar, with threonine, which is neutral and polar, at codon 285 of the MC1R protein (p.Ala285Thr). This variant is present in population databases (no rsID available, gnomAD 0.003%). This missense change has been observed in individual(s) with melanoma (PMID: 24045876, 24982914). ClinVar contains an entry for this variant (Variation ID: 470714). Invitae Evidence Modeling of protein sequence and biophysical properties (such as structural, functional, and spatial information, amino acid conservation, physicochemical variation, residue mobility, and thermodynamic stability) indicates that this missense variant is not expected to disrupt MC1R protein function with a negative predictive value of 80%. In summary, the available evidence is currently insufficient to determine the role of this variant in disease. Therefore, it has been classified as a Variant of Uncertain Significance.

Literature cited by the submitters: PubMed 24045876; PubMed 24982914.

NM_002386.4(MC1R):c.853G>A (p.Ala285Thr)

Gene: MC1R (melanocortin 1 receptor; plus strand). Cytogenetic location: 16q24.3.
Variant type: single nucleotide variant.
Coding change: c.853G>A on transcript NM_002386.4 (MANE Select); coding-DNA position 853, G replaced by A.
Protein change: p.Ala285Thr; replaces alanine 285 with threonine.
Molecular consequence: missense variant.
Genome position (GRCh38, 1-based): chr16:89,920,111, G>A. VCF-style: chr16-89920111-G-A. GRCh37 (hg19) VCF-style: chr16-89986519-G-A.
Other names: short protein forms A285T.
Identifiers: ClinVar variation 470714 (VCV000470714.8), dbSNP rs914341120, ClinGen allele CA286607691.